The following is an entry in ClinVar:

NM_000254.3(MTR):c.614C>T (p.Ala205Val)

Gene: MTR (5-methyltetrahydrofolate-homocysteine methyltransferase; plus strand). Cytogenetic location: 1q43.
Variant type: single nucleotide variant.
Coding change: c.614C>T on transcript NM_000254.3 (MANE Select); coding-DNA position 614, C replaced by T.
Protein change: p.Ala205Val; replaces alanine 205 with valine.
Molecular consequence: missense variant. On other transcripts: 5 prime UTR variant (1).
Genome position (GRCh38, 1-based): chr1:236,815,608, C>T. VCF-style: chr1-236815608-C-T. GRCh37 (hg19) VCF-style: chr1-236978908-C-T.
Other names: c.614C>T (NM_000254.2); c.614C>T, p.Ala205Val (NM_001291939.1, NM_001410942.1); c.-495C>T (NM_001291940.2); short protein forms A205V.
Identifiers: ClinVar variation 2158208 (VCV002158208.2), dbSNP rs763284188, ClinGen allele CA1473799.

ClinVar aggregate classification (germline): Uncertain significance. Review status: criteria provided, multiple submitters, no conflicts (2 of 4 stars). 2 submissions from 2 submitters: Uncertain significance (2). Last evaluated 2024-09-04.

Conditions:
Inborn genetic diseases. Identifiers: MedGen C0950123, MeSH D030342.
Methylcobalamin deficiency type cblG (HMAG). Also called: Functional methionine synthase deficiency type cblG; HOMOCYSTINURIA-MEGALOBLASTIC ANEMIA, cblG TYPE; HOMOCYSTINURIA-MEGALOBLASTIC ANEMIA DUE TO DEFECT IN COBALAMIN METABOLISM, cblG COMPLEMENTATION TYPE; HOMOCYSTINURIA-MEGALOBLASTIC ANEMIA, cblG COMPLEMENTATION TYPE. Identifiers: Orphanet 2170, Orphanet 622, MedGen C1855128, MONDO:0009609, OMIM 250940.

Allele frequency attached by ClinVar (database versions not stated): ExAC 0.00001; TOPMed 0.00001; gnomAD exomes 0.00002.
gnomAD v4.1: 23 of 1,613,920 alleles (0.0014%); highest among the groups gnomAD compares: Non-Finnish European, 0.0019%; no homozygotes.

Submissions (2):

Ambry Genetics
Classification: Uncertain significance for Inborn genetic diseases. Last evaluated: 2024-09-04. Review status: criteria provided, single submitter. Criteria: Ambry Variant Classification Scheme 2023. Collection method: clinical testing. Allele origin: germline.

Labcorp Genetics (formerly Invitae), Labcorp
Classification: Uncertain significance for Methylcobalamin deficiency type cblG. Last evaluated: 2022-03-31. Review status: criteria provided, single submitter. Criteria: Invitae Variant Classification Sherloc (09022015). Collection method: clinical testing. Allele origin: germline.
Comment: This sequence change replaces alanine, which is neutral and non-polar, with valine, which is neutral and non-polar, at codon 205 of the MTR protein (p.Ala205Val). This variant is present in population databases (rs763284188, gnomAD 0.0009%). This variant has not been reported in the literature in individuals affected with MTR-related conditions. Algorithms developed to predict the effect of missense changes on protein structure and function are either unavailable or do not agree on the potential impact of this missense change (SIFT: "Deleterious"; PolyPhen-2: "Probably Damaging"; Align-GVGD: "Class C0"). In summary, the available evidence is currently insufficient to determine the role of this variant in disease. Therefore, it has been classified as a Variant of Uncertain Significance.